The following is an entry in ClinVar:

ClinVar aggregate classification (germline): Uncertain significance. Review status: criteria provided, multiple submitters, no conflicts (2 of 4 stars). 3 submissions from 3 submitters: Uncertain significance (3). Last evaluated 2025-12-19.

Conditions:
Familial focal epilepsy with variable foci (FPEVF). Identifiers: Orphanet 98820, MedGen C1858477, MONDO:0020310.
Epilepsy, familial focal, with variable foci 1 (FFEVF1). Also called: DEPDC5-Related Epilepsy. Identifiers: MedGen C4551983, MONDO:0024556, OMIM 604364.
Inborn genetic diseases. Identifiers: MedGen C0950123, MeSH D030342.

Allele frequency attached by ClinVar (database versions not stated): gnomAD 0.00004 and 0.00003; TOPMed 0.00003.
gnomAD v4.1: 68 of 1,613,930 alleles (0.0042%); highest among the groups gnomAD compares: Non-Finnish European, 0.0053%; no homozygotes.

Submissions (3):

Labcorp Genetics (formerly Invitae), Labcorp
Classification: Uncertain significance for Familial focal epilepsy with variable foci. Last evaluated: 2025-12-19. Review status: criteria provided, single submitter. Criteria: Invitae Variant Classification Sherloc (09022015). Collection method: clinical testing. Allele origin: germline.
Comment: This sequence change replaces alanine, which is neutral and non-polar, with threonine, which is neutral and polar, at codon 452 of the DEPDC5 protein (p.Ala452Thr). This variant is present in population databases (rs768264302, gnomAD 0.005%). This variant has not been reported in the literature in individuals affected with DEPDC5-related conditions. ClinVar contains an entry for this variant (Variation ID: 575286). An algorithm developed to predict the effect of missense changes on protein structure and function outputs the following: PolyPhen-2: "Not Available". The threonine amino acid residue is found in multiple mammalian species, which suggests that this missense change does not adversely affect protein function. In summary, the available evidence is currently insufficient to determine the role of this variant in disease. Therefore, it has been classified as a Variant of Uncertain Significance.

Ambry Genetics
Classification: Uncertain significance for Inborn genetic diseases. Last evaluated: 2022-10-06. Review status: criteria provided, single submitter. Criteria: Ambry Variant Classification Scheme 2023. Collection method: clinical testing. Allele origin: germline.

Fulgent Genetics
Classification: Uncertain significance for Epilepsy, familial focal, with variable foci 1. Last evaluated: 2022-01-03. Review status: criteria provided, single submitter. Criteria: ACMG Guidelines, 2015. Collection method: clinical testing. Allele origin: unknown.

NM_001242896.3(DEPDC5):c.1354G>A (p.Ala452Thr)

Gene: DEPDC5 (DEP domain containing 5, GATOR1 subcomplex subunit; plus strand). Cytogenetic location: 22q12.3.
Variant type: single nucleotide variant.
Coding change: c.1354G>A on transcript NM_001242896.3 (MANE Select); coding-DNA position 1354, G replaced by A.
Protein change: p.Ala452Thr; replaces alanine 452 with threonine.
Molecular consequence: missense variant. On other transcripts: non-coding transcript variant (5).
Genome position (GRCh38, 1-based): chr22:31,810,550, G>A. VCF-style: chr22-31810550-G-A. GRCh37 (hg19) VCF-style: chr22-32206536-G-A.
Other names: c.1354G>A, p.Ala452Thr (NM_001007188.4, NM_001136029.4, NM_001242897.2 and 7 more transcripts); c.1270G>A, p.Ala424Thr (NM_001369901.1, NM_001369902.1); short protein forms A452T, A424T.
Identifiers: ClinVar variation 575286 (VCV000575286.12), dbSNP rs768264302, ClinGen allele CA10196349.